The following is an entry in ClinVar:

ClinVar aggregate classification (germline): Likely benign (0 of 4 stars; one submission).

Conditions:
ADAMTS20-related condition.

gnomAD v4.1: 391 of 1,567,546 alleles (0.025%); highest among the groups gnomAD compares: African/African-American, 0.49%; 5 homozygotes.

Submission:

PreventionGenetics, part of Exact Sciences
Classification: Likely benign for ADAMTS20-related condition. Last evaluated: 2024-08-11. Review status: no assertion criteria provided. Collection method: clinical testing. Allele origin: germline.
Comment: This variant is classified as likely benign based on ACMG/AMP sequence variant interpretation guidelines (Richards et al. 2015 PMID: 25741868, with internal and published modifications).

NM_025003.5(ADAMTS20):c.5487A>G (p.Ala1829=)

Gene: ADAMTS20 (ADAM metallopeptidase with thrombospondin type 1 motif 20; minus strand). Cytogenetic location: 12q12.
Variant type: single nucleotide variant.
Coding change: c.5487A>G on transcript NM_025003.5 (MANE Select); coding-DNA position 5487, A replaced by G.
Protein change: p.Ala1829=; no amino-acid change (alanine 1829 retained).
Molecular consequence: synonymous variant.
Genome position (GRCh38, 1-based): chr12:43,369,341, T>C on the plus strand (A>G on the coding strand, the complement: ADAMTS20 is on the minus strand). VCF-style: chr12-43369341-T-C. GRCh37 (hg19) VCF-style: chr12-43763144-T-C.
Identifiers: ClinVar variation 3352414 (VCV003352414.1).